The following is an entry in ClinVar:

ClinVar aggregate classification (germline): Uncertain significance. Review status: criteria provided, multiple submitters, no conflicts (2 of 4 stars). 2 submissions from 2 submitters: Uncertain significance (2). Last evaluated 2024-10-30.

Conditions:
Inborn genetic diseases. Identifiers: MedGen C0950123, MeSH D030342.

Allele frequency attached by ClinVar (database versions not stated): TOPMed 0.00001.

Submissions (2):

Ambry Genetics
Classification: Uncertain significance for Inborn genetic diseases. Last evaluated: 2024-10-30. Review status: criteria provided, single submitter. Criteria: Ambry Variant Classification Scheme 2023. Collection method: clinical testing. Allele origin: germline.
Comment: The p.D1429G variant (also known as c.4286A>G), located in coding exon 24 of the ATR gene, results from an A to G substitution at nucleotide position 4286. The aspartic acid at codon 1429 is replaced by glycine, an amino acid with similar properties. This amino acid position is conserved. In addition, this alteration is predicted to be tolerated by in silico analysis. Since supporting evidence is limited at this time, the clinical significance of this alteration remains unclear.

Labcorp Genetics (formerly Invitae), Labcorp
Classification: Uncertain significance. Last evaluated: 2023-10-20. Review status: criteria provided, single submitter. Criteria: Invitae Variant Classification Sherloc (09022015). Collection method: clinical testing. Allele origin: germline.
Comment: This sequence change replaces aspartic acid, which is acidic and polar, with glycine, which is neutral and non-polar, at codon 1429 of the ATR protein (p.Asp1429Gly). This variant is not present in population databases (gnomAD no frequency). This variant has not been reported in the literature in individuals affected with ATR-related conditions. ClinVar contains an entry for this variant (Variation ID: 1739381). Algorithms developed to predict the effect of missense changes on protein structure and function output the following: SIFT: "Not Available"; PolyPhen-2: "Benign"; Align-GVGD: "Not Available". The glycine amino acid residue is found in multiple mammalian species, which suggests that this missense change does not adversely affect protein function. In summary, the available evidence is currently insufficient to determine the role of this variant in disease. Therefore, it has been classified as a Variant of Uncertain Significance.

NM_001184.4(ATR):c.4286A>G (p.Asp1429Gly)

Gene: ATR (ATR checkpoint kinase; minus strand). Cytogenetic location: 3q23.
Variant type: single nucleotide variant.
Coding change: c.4286A>G on transcript NM_001184.4 (MANE Select); coding-DNA position 4286, A replaced by G.
Protein change: p.Asp1429Gly; replaces aspartic acid 1429 with glycine.
Molecular consequence: missense variant.
Genome position (GRCh38, 1-based): chr3:142,519,765, T>C on the plus strand (A>G on the coding strand, the complement: ATR is on the minus strand). VCF-style: chr3-142519765-T-C. GRCh37 (hg19) VCF-style: chr3-142238607-T-C.
Other names: c.4094A>G, p.Asp1365Gly (NM_001354579.2); short protein forms D1365G, D1429G.
Identifiers: ClinVar variation 1739381 (VCV001739381.6), dbSNP rs1463156463, ClinGen allele CA354800389.